The following is an entry in ClinVar:

ClinVar aggregate classification (germline): Conflicting classifications of pathogenicity. Review status: criteria provided, conflicting classifications (1 of 4 stars). 5 submissions from 5 submitters: Uncertain significance (2); Benign (1); Likely benign (2). Last evaluated 2025-12-19.

Conditions:
Progressive myoclonic epilepsy. Also called: Progressive myoclonus epilepsy; Myoclonic Epilepsies, Progressive; Familial progressive myoclonic epilepsy; Myoclonus epilepsy. Identifiers: Orphanet 308, Orphanet 98261, MedGen C0751778, MONDO:0020074.
Progressive myoclonic epilepsy type 5. Identifiers: Orphanet 402082, MedGen C5190799.

Allele frequency attached by ClinVar (database versions not stated): gnomAD 0.00014 and 0.00022; TOPMed 0.00017; gnomAD exomes 0.00034 and 0.00050; 1000 Genomes Project 30x 0.00047; ExAC 0.00050; 1000 Genomes Project 0.00060.
gnomAD v4.1: 529 of 1,587,990 alleles (0.033%); highest among the groups gnomAD compares: Middle Eastern, 1.3%; 3 homozygotes.

Submissions (5):

Labcorp Genetics (formerly Invitae), Labcorp
Classification: Benign for Progressive myoclonic epilepsy type 5. Last evaluated: 2025-12-19. Review status: criteria provided, single submitter. Criteria: Invitae Variant Classification Sherloc (09022015). Collection method: clinical testing. Allele origin: germline.

Blueprint Genetics
Classification: Likely benign. Last evaluated: 2024-08-22. Review status: criteria provided, single submitter. Criteria: ACMG Guidelines, 2015. Collection method: clinical testing. Allele origin: germline.

CeGaT Center for Human Genetics Tuebingen
Classification: Likely benign. Last evaluated: 2022-10-01. Review status: criteria provided, single submitter. Criteria: CeGaT Center For Human Genetics Tuebingen Variant Classification Criteria Version 2. Collection method: clinical testing. Allele origin: germline. Affected: yes. Observed: 2 variant alleles.
Comment: PRICKLE2: BP4, BP7

Illumina Laboratory Services, Illumina
Classification: Uncertain significance for Progressive myoclonic epilepsy. Last evaluated: 2017-04-27. Review status: criteria provided, single submitter. Criteria: ICSL Variant Classification Criteria 13 December 2019. Collection method: clinical testing. Allele origin: germline.

Eurofins Ntd Llc (ga)
Classification: Uncertain significance. Last evaluated: 2015-06-30. Review status: criteria provided, single submitter. Criteria: EGL Classification Definitions 2015. Collection method: clinical testing. Allele origin: germline. Observed: 1 variant allele, 1 heterozygote.

NM_198859.4(PRICKLE2):c.2103G>T (p.Leu701=)

Genes: PRICKLE2 (prickle planar cell polarity protein 2; minus strand), PRICKLE2-AS1 (PRICKLE2 antisense RNA 1; plus strand). Cytogenetic location: 3p14.1.
Variant type: single nucleotide variant.
Coding change: c.2103G>T on transcript NM_198859.4 (MANE Select); coding-DNA position 2103, G replaced by T.
Protein change: p.Leu701=; no amino-acid change (leucine 701 retained).
Molecular consequence: synonymous variant. On other transcripts: non-coding transcript variant (1).
Genome position (GRCh38, 1-based): chr3:64,099,483, C>A on the plus strand (G>T on the coding strand, the complement: PRICKLE2 is on the minus strand). VCF-style: chr3-64099483-C-A. GRCh37 (hg19) VCF-style: chr3-64085159-C-A.
Other names: c.2103G>T, p.Leu701= (NM_001370528.1).
Identifiers: ClinVar variation 281799 (VCV000281799.44), dbSNP rs200220646, ClinGen allele CA2479492.